The following is an entry in ClinVar:

NM_000553.6(WRN):c.1542T>G (p.Asn514Lys)

Gene: WRN (WRN RecQ like helicase; plus strand). Cytogenetic location: 8p12.
Variant type: single nucleotide variant.
Coding change: c.1542T>G on transcript NM_000553.6 (MANE Select); coding-DNA position 1542, T replaced by G.
Protein change: p.Asn514Lys; replaces asparagine 514 with lysine.
Molecular consequence: missense variant.
Genome position (GRCh38, 1-based): chr8:31,087,886, T>G. VCF-style: chr8-31087886-T-G. GRCh37 (hg19) VCF-style: chr8-30945402-T-G.
Other names: short protein forms N514K.
Identifiers: ClinVar variation 850208 (VCV000850208.5), dbSNP rs1267432535, ClinGen allele CA370924750.
Genomic context (GRCh38, chr8:31,087,886, plus strand): 5'-CTTAAAAATGGAAAGAAATCTGGGTCTTCCTACTAAAGAAGAAGAAGAAGATGATGAAAA[T>G]GAAGCTAATGAAGGGGAAGAAGATGATGATAAGGGTAAGCACTGAAGTATGTTTGAAATG-3'
Protein context (NP_000544.2, residues 504-524): PTKEEEEDDE[Asn514Lys]EANEGEEDDD

ClinVar aggregate classification (germline): Uncertain significance (1 of 4 stars; one submission).

Conditions:
Werner syndrome (WRN). Identifiers: Orphanet 902, MedGen C0043119, MONDO:0010196, OMIM 277700.

Allele frequency attached by ClinVar (database versions not stated): TOPMed below 0.00001.

Submission:

Labcorp Genetics (formerly Invitae), Labcorp
Classification: Uncertain significance for Werner syndrome. Last evaluated: 2019-12-26. Review status: criteria provided, single submitter. Criteria: Invitae Variant Classification Sherloc (09022015). Collection method: clinical testing. Allele origin: germline.
Comment: This sequence change replaces asparagine with lysine at codon 514 of the WRN protein (p.Asn514Lys). The asparagine residue is weakly conserved and there is a moderate physicochemical difference between asparagine and lysine. This variant is not present in population databases (ExAC no frequency). This variant has not been reported in the literature in individuals with WRN-related conditions. Algorithms developed to predict the effect of missense changes on protein structure and function output the following: SIFT: "Tolerated"; PolyPhen-2: "Benign"; Align-GVGD: "Class C0". The lysine amino acid residue is found in multiple mammalian species, suggesting that this missense change does not adversely affect protein function. These predictions have not been confirmed by published functional studies and their clinical significance is uncertain. In summary, the available evidence is currently insufficient to determine the role of this variant in disease. Therefore, it has been classified as a Variant of Uncertain Significance.